The following is an entry in ClinVar:

NM_006019.4(TCIRG1):c.824A>C (p.Glu275Ala)

Gene: TCIRG1 (T cell immune regulator 1, ATPase H+ transporting V0 subunit a3; plus strand). Cytogenetic location: 11q13.2.
Variant type: single nucleotide variant.
Coding change: c.824A>C on transcript NM_006019.4 (MANE Select); coding-DNA position 824, A replaced by C.
Protein change: p.Glu275Ala; replaces glutamic acid 275 with alanine.
Molecular consequence: missense variant. On other transcripts: 5 prime UTR variant (1), intron variant (4).
Genome position (GRCh38, 1-based): chr11:68,044,148, A>C. VCF-style: chr11-68044148-A-C. GRCh37 (hg19) VCF-style: chr11-67811615-A-C.
Other names: c.-71A>C (NM_001351059.2); c.824A>C, p.Glu275Ala (NM_001440552.1, NM_001440553.1, NM_001440554.1 and 2 more transcripts); c.782A>C, p.Glu261Ala (NM_001440555.1, NM_001440556.1, NM_001440563.1); c.611A>C, p.Glu204Ala (NM_001440561.1, NM_001440562.1, NM_001440566.1 and 1 more transcripts); c.569A>C, p.Glu190Ala (NM_001440564.1); c.524A>C, p.Glu175Ala (NM_001440565.1); c.176A>C, p.Glu59Ala (NM_006053.4); c.807+241A>C (NM_001440559.1, NM_001440560.1); and 2 more; short protein forms E175A, E190A, E204A, E261A, E275A, E59A.
Identifiers: ClinVar variation 4798176 (VCV004798176.1).

ClinVar aggregate classification (germline): Uncertain significance (1 of 4 stars; one submission).

gnomAD v4.1: 6 of 1,549,912 alleles (0.00039%); highest among the groups gnomAD compares: African/African-American, 0.0068%; no homozygotes.

Submission:

Labcorp Genetics (formerly Invitae), Labcorp
Classification: Uncertain significance. Last evaluated: 2025-10-19. Review status: criteria provided, single submitter. Criteria: Invitae Variant Classification Sherloc (09022015). Collection method: clinical testing. Allele origin: germline.
Comment: This sequence change replaces glutamic acid, which is acidic and polar, with alanine, which is neutral and non-polar, at codon 275 of the TCIRG1 protein (p.Glu275Ala). The frequency data for this variant in the population databases is considered unreliable, as metrics indicate poor data quality at this position in the gnomAD database. This variant has not been reported in the literature in individuals affected with TCIRG1-related conditions. Invitae Evidence Modeling of protein sequence and biophysical properties (such as structural, functional, and spatial information, amino acid conservation, physicochemical variation, residue mobility, and thermodynamic stability) indicates that this missense variant is not expected to disrupt TCIRG1 protein function with a negative predictive value of 80%. In summary, the available evidence is currently insufficient to determine the role of this variant in disease. Therefore, it has been classified as a Variant of Uncertain Significance.